The following is an entry in ClinVar:

ClinVar aggregate classification (germline): Uncertain significance. Review status: criteria provided, multiple submitters, no conflicts (2 of 4 stars). 2 submissions from 2 submitters: Uncertain significance (2). Last evaluated 2025-06-16.

Conditions:
Inborn genetic diseases. Identifiers: MedGen C0950123, MeSH D030342.
Xeroderma pigmentosum, group F (XPF). Also called: ERCC4-Related Xeroderma Pigmentosum; XERODERMA PIGMENTOSUM VI; XP, GROUP F; XERODERMA PIGMENTOSUM, COMPLEMENTATION GROUP F; XERODERMA PIGMENTOSUM, TYPE F; Xeroderma pigmentosum, type 6. Identifiers: MedGen C0268140, MONDO:0010215, OMIM 278760.
Cockayne syndrome. Identifiers: Orphanet 191, MedGen C0009207, MONDO:0016006.
Fanconi anemia complementation group Q. Identifiers: Orphanet 84, MedGen C3808988, MONDO:0014108, OMIM 615272.

Allele frequency attached by ClinVar (database versions not stated): gnomAD exomes below 0.00001; TOPMed 0.00001.
gnomAD v4.1: 1 of 1,600,180 alleles (0.000062%); highest among the groups gnomAD compares: Non-Finnish European, 0.000086%; no homozygotes.

Submissions (2):

Ambry Genetics
Classification: Uncertain significance for Inborn genetic diseases. Last evaluated: 2025-06-16. Review status: criteria provided, single submitter. Criteria: Ambry Variant Classification Scheme 2023. Collection method: clinical testing. Allele origin: germline.

Labcorp Genetics (formerly Invitae), Labcorp
Classification: Uncertain significance for Fanconi anemia complementation group Q; Xeroderma pigmentosum, group F; Cockayne syndrome. Last evaluated: 2018-12-09. Review status: criteria provided, single submitter. Criteria: Invitae Variant Classification Sherloc (09022015). Collection method: clinical testing. Allele origin: germline.
Comment: In summary, the available evidence is currently insufficient to determine the role of this variant in disease. Therefore, it has been classified as a Variant of Uncertain Significance. Algorithms developed to predict the effect of missense changes on protein structure and function are either unavailable or do not agree on the potential impact of this missense change (SIFT: "Tolerated"; PolyPhen-2: "Possibly Damaging"; Align-GVGD: "Class C0"). This variant has not been reported in the literature in individuals with ERCC4-related disease. This variant is not present in population databases (ExAC no frequency). This sequence change replaces lysine with glutamic acid at codon 264 of the ERCC4 protein (p.Lys264Glu). The lysine residue is highly conserved and there is a small physicochemical difference between lysine and glutamic acid.

NM_005236.3(ERCC4):c.790A>G (p.Lys264Glu)

Gene: ERCC4 (ERCC excision repair 4, endonuclease catalytic subunit; plus strand). Cytogenetic location: 16p13.12.
Variant type: single nucleotide variant.
Coding change: c.790A>G on transcript NM_005236.3 (MANE Select); coding-DNA position 790, A replaced by G.
Protein change: p.Lys264Glu; replaces lysine 264 with glutamic acid.
Molecular consequence: missense variant.
Genome position (GRCh38, 1-based): chr16:13,928,233, A>G. VCF-style: chr16-13928233-A-G. GRCh37 (hg19) VCF-style: chr16-14022090-A-G.
Other names: short protein forms K264E.
Identifiers: ClinVar variation 656025 (VCV000656025.7), dbSNP rs1463126902, ClinGen allele CA394803254.
Genomic context (GRCh38, chr16:13,928,233, plus strand): 5'-AACCCATCGCTTGAAGTGGAAGATTTATCTTTAGAAAATGCTATTGGAAAACCTTTTGAC[A>G]AGGTACTCTTTTTCCTTTTAAGCACAGTTTATTATGTTGTAATTTTAAAGAATGCAAGTT-3'
Protein context (NP_005227.1, residues 254-274): LENAIGKPFD[Lys264Glu]TIRHYLDPLW